The following is an entry in ClinVar:

NM_007055.4(POLR3A):c.2434G>A (p.Gly812Ser)

Gene: POLR3A (RNA polymerase III subunit A; minus strand). Cytogenetic location: 10q22.3.
Variant type: single nucleotide variant.
Coding change: c.2434G>A on transcript NM_007055.4 (MANE Select); coding-DNA position 2434, G replaced by A.
Protein change: p.Gly812Ser; replaces glycine 812 with serine.
Molecular consequence: missense variant.
Genome position (GRCh38, 1-based): chr10:78,001,020, C>T on the plus strand (G>A on the coding strand, the complement: POLR3A is on the minus strand). VCF-style: chr10-78001020-C-T. GRCh37 (hg19) VCF-style: chr10-79760778-C-T.
Other names: short protein forms G812S.
Identifiers: ClinVar variation 1397501 (VCV001397501.7), dbSNP rs372788440, ClinGen allele CA5571119.

ClinVar aggregate classification (germline): Conflicting classifications of pathogenicity. Review status: criteria provided, conflicting classifications (1 of 4 stars). 3 submissions from 3 submitters: Likely pathogenic (1); Uncertain significance (2). Last evaluated 2025-12-02.

Conditions:
Leukodystrophy, hypomyelinating, 7, with or without oligodontia and/or hypogonadotropic hypogonadism (HLD7). Also called: Ataxia, Delayed Dentition and Hypomyelination (ADDH); LEUKOENCEPHALOPATHY, HYPOMYELINATING, WITH ATAXIA AND DELAYED DENTITION; ATAXIA, DELAYED DENTITION, AND HYPOMYELINATION; LEUKODYSTROPHY, HYPOMYELINATING, 7, WITH OLIGODONTIA; LEUKODYSTROPHY, HYPOMYELINATING, 7, WITH OLIGODONTIA AND HYPOGONADOTROPIC HYPOGONADISM; LEUKODYSTROPHY, HYPOMYELINATING, 7, WITHOUT OLIGODONTIA OR HYPOGONADOTROPIC HYPOGONADISM. Identifiers: Orphanet 137639, Orphanet 447893, Orphanet 447896, Orphanet 77295, Orphanet 88637, MedGen CN034185, MONDO:0011897, OMIM 607694.

Allele frequency attached by ClinVar (database versions not stated): gnomAD 0.00001; gnomAD exomes 0.00003 and 0.00010; TOPMed 0.00003; ESP Exome Variant Server 0.00008; ExAC 0.00011.
gnomAD v4.1: 40 of 1,611,406 alleles (0.0025%); highest among the groups gnomAD compares: Admixed American, 0.045%; no homozygotes.

Submissions (3):

Labcorp Genetics (formerly Invitae), Labcorp
Classification: Likely pathogenic. Last evaluated: 2025-12-02. Review status: criteria provided, single submitter. Criteria: Invitae Variant Classification Sherloc (09022015). Collection method: clinical testing. Allele origin: germline.
Comment: This sequence change replaces glycine, which is neutral and non-polar, with serine, which is neutral and polar, at codon 812 of the POLR3A protein (p.Gly812Ser). This variant is present in population databases (rs372788440, gnomAD 0.07%). This missense change has been observed in individual(s) with clinical features of hypomyelinating leukodystrophy (PMID: 35012964, 37197783; internal data). In at least one individual the data is consistent with being in trans (on the opposite chromosome) from a pathogenic variant. It has also been observed to segregate with disease in related individuals. ClinVar contains an entry for this variant (Variation ID: 1397501). Invitae Evidence Modeling of protein sequence and biophysical properties (such as structural, functional, and spatial information, amino acid conservation, physicochemical variation, residue mobility, and thermodynamic stability) has been performed for this missense variant. However, the output from this modeling did not meet the statistical confidence thresholds required to predict the impact of this variant on POLR3A protein function. In summary, the currently available evidence indicates that the variant is pathogenic, but additional data are needed to prove that conclusively. Therefore, this variant has been classified as Likely Pathogenic.

3billion
Classification: Uncertain significance for Leukodystrophy, hypomyelinating, 7, with or without oligodontia and/or hypogonadotropic hypogonadism. Last evaluated: 2025-04-21. Review status: criteria provided, single submitter. Criteria: ACMG Guidelines, 2015. Collection method: clinical testing. Allele origin: germline. Affected: yes.

GeneDx
Classification: Uncertain significance. Last evaluated: 2022-02-17. Review status: criteria provided, single submitter. Criteria: GeneDx Variant Classification Process June 2021. Collection method: clinical testing. Allele origin: germline. Affected: yes.
Comment: In silico analysis supports that this missense variant has a deleterious effect on protein structure/function; Has not been previously published as pathogenic or benign to our knowledge

Literature cited by the submitters: PubMed 35012964 (cited by Labcorp Genetics (formerly Invitae), Labcorp); PubMed 37197783 (cited by Labcorp Genetics (formerly Invitae), Labcorp).